The following is an entry in ClinVar:

NM_000361.3(THBD):c.74C>T (p.Pro25Leu)

Gene: THBD (thrombomodulin; minus strand). Cytogenetic location: 20p11.21.
Variant type: single nucleotide variant.
Coding change: c.74C>T on transcript NM_000361.3 (MANE Select); coding-DNA position 74, C replaced by T.
Protein change: p.Pro25Leu; replaces proline 25 with leucine.
Molecular consequence: missense variant.
Genome position (GRCh38, 1-based): chr20:23,049,431, G>A on the plus strand (C>T on the coding strand, the complement: THBD is on the minus strand). VCF-style: chr20-23049431-G-A. GRCh37 (hg19) VCF-style: chr20-23030068-G-A.
Other names: short protein forms P25L.
Identifiers: ClinVar variation 3681396 (VCV003681396.2).

ClinVar aggregate classification (germline): Uncertain significance (1 of 4 stars; one submission).

Submission:

Labcorp Genetics (formerly Invitae), Labcorp
Classification: Uncertain significance. Last evaluated: 2024-09-21. Review status: criteria provided, single submitter. Criteria: Invitae Variant Classification Sherloc (09022015). Collection method: clinical testing. Allele origin: germline.
Comment: This sequence change replaces proline, which is neutral and non-polar, with leucine, which is neutral and non-polar, at codon 25 of the THBD protein (p.Pro25Leu). This variant is not present in population databases (gnomAD no frequency). This variant has not been reported in the literature in individuals affected with THBD-related conditions. Invitae Evidence Modeling of protein sequence and biophysical properties (such as structural, functional, and spatial information, amino acid conservation, physicochemical variation, residue mobility, and thermodynamic stability) indicates that this missense variant is not expected to disrupt THBD protein function with a negative predictive value of 80%. In summary, the available evidence is currently insufficient to determine the role of this variant in disease. Therefore, it has been classified as a Variant of Uncertain Significance.